The following is an entry in ClinVar:

ClinVar aggregate classification (germline): Conflicting classifications of pathogenicity. Review status: criteria provided, conflicting classifications (1 of 4 stars). 4 submissions from 4 submitters: Uncertain significance (3); Likely benign (1). Last evaluated 2024-11-13.

Allele frequency attached by ClinVar (database versions not stated): gnomAD exomes 0.00005 and 0.00009; gnomAD 0.00006; ESP Exome Variant Server 0.00008; ExAC 0.00010; TOPMed 0.00012.
gnomAD v4.1: 83 of 1,526,024 alleles (0.0054%); highest among the groups gnomAD compares: Admixed American, 0.027%; no homozygotes.

Submissions (4):

Blueprint Genetics
Classification: Likely benign. Last evaluated: 2024-11-13. Review status: criteria provided, single submitter. Criteria: ACMG Guidelines, 2015. Collection method: clinical testing. Allele origin: germline.

Labcorp Genetics (formerly Invitae), Labcorp
Classification: Uncertain significance. Last evaluated: 2023-11-27. Review status: criteria provided, single submitter. Criteria: Invitae Variant Classification Sherloc (09022015). Collection method: clinical testing. Allele origin: germline.
Comment: This sequence change replaces alanine, which is neutral and non-polar, with threonine, which is neutral and polar, at codon 525 of the LRRC56 protein (p.Ala525Thr). This variant is present in population databases (rs376628172, gnomAD 0.04%). This variant has not been reported in the literature in individuals affected with LRRC56-related conditions. ClinVar contains an entry for this variant (Variation ID: 1444683). Algorithms developed to predict the effect of missense changes on protein structure and function output the following: SIFT: "Not Available"; PolyPhen-2: "Benign"; Align-GVGD: "Not Available". The threonine amino acid residue is found in multiple mammalian species, which suggests that this missense change does not adversely affect protein function. In summary, the available evidence is currently insufficient to determine the role of this variant in disease. Therefore, it has been classified as a Variant of Uncertain Significance.

Ambry Genetics
Classification: Uncertain significance. Last evaluated: 2021-09-27. Review status: criteria provided, single submitter. Criteria: Ambry Variant Classification Scheme 2023. Collection method: clinical testing. Allele origin: germline.

Breakthrough Genomics
Classification: Uncertain significance. Review status: criteria provided, single submitter. Criteria: ACMG Guidelines, 2015. Collection method: not provided. Allele origin: germline. Inheritance: Autosomal recessive inheritance. Affected: yes.

NM_198075.4(LRRC56):c.1573G>A (p.Ala525Thr)

Gene: LRRC56 (leucine rich repeat containing 56; plus strand). Cytogenetic location: 11p15.5.
Variant type: single nucleotide variant.
Coding change: c.1573G>A on transcript NM_198075.4 (MANE Select); coding-DNA position 1573, G replaced by A.
Protein change: p.Ala525Thr; replaces alanine 525 with threonine.
Molecular consequence: missense variant.
Genome position (GRCh38, 1-based): chr11:554,220, G>A. VCF-style: chr11-554220-G-A. GRCh37 (hg19) VCF-style: chr11-554220-G-A.
Other names: c.1573G>A (NM_198075.3); short protein forms A525T.
Identifiers: ClinVar variation 1444683 (VCV001444683.7), dbSNP rs376628172, ClinGen allele CA5780140.
Genomic context (GRCh38, chr11:554,220, plus strand): 5'-GCCTCACGCCTGAGCCCTCGAGCCCAGGGATGTCCTGGCCCAAAGCCAGCACCAGATGCA[G>A]CAGCTAGACCTCCCAGGGCAGCTGAACTCTCTCACCCCAGCCCCGTCCCCACTTAATATA-3'
Protein context (NP_932341.1, residues 515-535): CPGPKPAPDA[Ala525Thr]ARPPRAAELS